The following is an entry in ClinVar:

ClinVar aggregate classification (germline): Likely pathogenic (1 of 4 stars; one submission).

Conditions:
KCNA3-associated developmental and epileptic encephalopathy.

Submission:

Institute of Human Genetics, University of Leipzig Medical Center
Classification: Likely pathogenic for KCNA3-associated developmental and epileptic encephalopathy. Last evaluated: 2023-02-14. Review status: criteria provided, single submitter. Criteria: ACMG Guidelines, 2015. Collection method: research. Allele origin: de novo. Inheritance: Autosomal dominant inheritance. Affected: yes. Observed: 1 variant allele.
Comment: This variant was identified as de novo (maternity and paternity confirmed)._x000D_ Criteria applied: PS3, PS2_MOD, PM2_SUP, PP3.

Literature cited by the submitters: PubMed 37964487.

NM_002232.5(KCNA3):c.1081G>A (p.Ala361Thr)

Gene: KCNA3 (potassium voltage-gated channel subfamily A member 3; minus strand). Cytogenetic location: 1p13.3.
Variant type: single nucleotide variant.
Coding change: c.1081G>A on transcript NM_002232.5 (MANE Select); coding-DNA position 1081, G replaced by A.
Protein change: p.Ala361Thr; replaces alanine 361 with threonine.
Molecular consequence: missense variant.
Genome position (GRCh38, 1-based): chr1:110,673,729, C>T on the plus strand (G>A on the coding strand, the complement: KCNA3 is on the minus strand). VCF-style: chr1-110673729-C-T. GRCh37 (hg19) VCF-style: chr1-111216351-C-T.
Other names: short protein forms A361T.
Identifiers: ClinVar variation 2500321 (VCV002500321.2), dbSNP rs2524761872, ClinGen allele CA341809860.